The following is an entry in ClinVar:

NM_001083962.2(TCF4):c.1551dup (p.Glu518fs)

Gene: TCF4 (transcription factor 4; minus strand). Cytogenetic location: 18q21.2.
Variant type: Duplication.
Coding change: c.1551dup on transcript NM_001083962.2 (MANE Select); coding-DNA position 1551, one base duplicated (C; older notation c.1551dupC).
Protein change: p.Glu518fs; shifts the reading frame from glutamic acid 518.
Molecular consequence: frameshift variant.
Genome position (GRCh38, 1-based): chr18:55,232,607, G duplicated on the plus strand (C on the coding strand, the reverse complement: TCF4 is on the minus strand). VCF-style (leftmost placement, unchanged base first): chr18-55232606-C-CG. GRCh37 (hg19) VCF-style: chr18-52899837-C-CG.
Other names: c.1857dup, p.Glu620fs (NM_001243226.3); c.1479dup, p.Glu494fs (NM_001243227.2, NM_001306207.1, NM_001348217.1 and 5 more transcripts); c.1569dup, p.Glu524fs (NM_001243228.2); c.1542dup, p.Glu515fs (NM_001243230.2); c.1425dup, p.Glu476fs (NM_001243231.2, NM_001348211.2); c.1338dup, p.Glu447fs (NM_001243232.1, NM_001306208.1); c.1161dup, p.Glu388fs (NM_001243233.2, NM_001330605.3, NM_001348212.2 and 1 more transcripts); c.1071dup, p.Glu358fs (NM_001243234.2, NM_001243235.2, NM_001243236.2 and 1 more transcripts); and 6 more; short protein forms E358fs, E447fs, E515fs, E517fs, E524fs, E620fs, E302fs, E476fs.
Identifiers: ClinVar variation 3175154 (VCV003175154.1), dbSNP rs2466185862, ClinGen allele CA2825002712.

ClinVar aggregate classification (germline): Pathogenic (1 of 4 stars; one submission).

Conditions:
Inborn genetic diseases. Identifiers: MedGen C0950123, MeSH D030342.

Submission:

Ambry Genetics
Classification: Pathogenic for Inborn genetic diseases. Last evaluated: 2024-01-11. Review status: criteria provided, single submitter. Criteria: Ambry Variant Classification Scheme 2023. Collection method: clinical testing. Allele origin: germline.
Comment: The c.1551dupC (p.E518Rfs*3) alteration, located in exon 17 (coding exon 16) of the TCF4 gene, consists of a duplication of C at position 1551, causing a translational frameshift with a predicted alternate stop codon after 3 amino acids. This alteration is expected to result in loss of function by premature protein truncation or nonsense-mediated mRNA decay. This variant was not reported in population-based cohorts in the Genome Aggregation Database (gnomAD). Based on the available evidence, this alteration is classified as pathogenic.